The following is an entry in ClinVar:

ClinVar aggregate classification (germline): Likely pathogenic (1 of 4 stars; one submission).

Conditions:
Cardiovascular phenotype. Identifiers: MedGen CN230736.

Submission:

Ambry Genetics
Classification: Likely pathogenic for Cardiovascular phenotype. Last evaluated: 2025-05-03. Review status: criteria provided, single submitter. Criteria: Ambry Variant Classification Scheme 2023. Collection method: clinical testing. Allele origin: germline.
Comment: The c.51813dupT variant, located in coding exon 153 of the TTN gene, results from a duplication of T at nucleotide position 51813, causing a translational frameshift with a predicted alternate stop codon (p.V17272Cfs*19). This exon is located in the A-band region of the N2-B isoform of the titin protein and is constitutively expressed in TTN transcripts (percent spliced in or PSI 100%). This variant is considered to be rare based on population cohorts in the Genome Aggregation Database (gnomAD). This variant is expected to result in loss of function by premature protein truncation or nonsense-mediated mRNA decay. While truncating variants in TTN are present in 1-3% of the general population, truncating variants in the A-band are the most common cause of dilated cardiomyopathy (Herman DS et al. N. Engl. J. Med., 2012 Feb;366:619-28; Roberts AM et al. Sci Transl Med, 2015 Jan;7:270ra6). TTN truncating variants encoded in constitutive exons (PSI >90%) have been found to be significantly associated with DCM regardless of their position in titin (Schafer S et al. Nat. Genet., 2017 01;49:46-53; Akhtar MM et al. Circ Heart Fail, 2020 Oct;13:e006832; Massier M et al. Clin Genet, 2025 Jan). Based on the majority of available evidence to date, this variant is likely to be pathogenic.

NM_001267550.2(TTN):c.79008dup (p.Val26337fs)

Genes: TTN (titin; minus strand), TTN-AS1 (TTN antisense RNA 1; plus strand). Cytogenetic location: 2q31.2.
Variant type: Duplication.
Coding change: c.79008dup on transcript NM_001267550.2 (MANE Select); coding-DNA position 79008, one base duplicated (T; older notation c.79008dupT).
Protein change: p.Val26337fs; shifts the reading frame from valine 26337.
Molecular consequence: frameshift variant.
Genome position (GRCh38, 1-based): chr2:178,567,124, A duplicated on the plus strand (T on the coding strand, the reverse complement: TTN is on the minus strand); the first of 2 consecutive A bases (chr2:178,567,124-178,567,125); duplicating either gives the same sequence. VCF-style (leftmost placement, unchanged base first): chr2-178567123-C-CA. GRCh37 (hg19) VCF-style: chr2-179431850-C-CA.
Other names: c.74085dup, p.Val24696fs (NM_001256850.1); c.51813dup, p.Val17272fs (NM_003319.4); c.71304dup, p.Val23769fs (NM_133378.4); c.52188dup, p.Val17397fs (NM_133432.3); c.52389dup, p.Val17464fs (NM_133437.4); c.51813dupT (NM_003319.4); short protein forms V17397fs, V23769fs, V17464fs, V24696fs, V17272fs, V26337fs.
Identifiers: ClinVar variation 3975795 (VCV003975795.1).
Genomic context (GRCh38, chr2:178,567,123, plus strand): 5'-ATTCATTACCTTCTAAGAGTTTGGTAACTTTCAGAGAATTGGTCACAACTTCTGAAGCAA[C>CA]AACAGTCCAGGCAAGTCGACTGGTTTCTCGCTTTTCAACAACATAGTGAGAAATGTCACT-3'